The following is an entry in ClinVar:

ClinVar aggregate classification (germline): Uncertain significance. Review status: criteria provided, multiple submitters, no conflicts (2 of 4 stars). 4 submissions from 4 submitters: Uncertain significance (4). Last evaluated 2025-04-11.

Conditions:
Hereditary cancer-predisposing syndrome. Also called: Tumor predisposition; Hereditary Cancer Syndrome; Neoplastic Syndromes, Hereditary; Hereditary neoplastic syndrome. Identifiers: Orphanet 140162, MedGen C0027672, MeSH D009386, MONDO:0015356.
Peutz-Jeghers syndrome (PJS). Also called: POLYPOSIS, HAMARTOMATOUS INTESTINAL; POLYPS-AND-SPOTS SYNDROME; Peutz-Jeghers polyposis; Periorificial lentiginosis syndrome. Identifiers: Orphanet 2869, MedGen C0031269, MeSH D010580, MONDO:0008280, OMIM 175200.

Allele frequency attached by ClinVar (database versions not stated): TOPMed below 0.00001.
gnomAD v4.1: 4 of 1,613,684 alleles (0.00025%); highest among the groups gnomAD compares: Non-Finnish European, 0.00034%; no homozygotes.

Submissions (4):

Ambry Genetics
Classification: Uncertain significance for Hereditary cancer-predisposing syndrome. Last evaluated: 2025-04-11. Review status: criteria provided, single submitter. Criteria: Ambry Variant Classification Scheme 2023. Collection method: clinical testing. Allele origin: germline.
Comment: The p.R106L variant (also known as c.317G>T), located in coding exon 2 of the STK11 gene, results from a G to T substitution at nucleotide position 317. The arginine at codon 106 is replaced by leucine, an amino acid with dissimilar properties. This amino acid position is not well conserved in available vertebrate species. In addition, the in silico prediction for this alteration is inconclusive. Based on the available evidence, the clinical significance of this variant remains unclear.

Labcorp Genetics (formerly Invitae), Labcorp
Classification: Uncertain significance for Peutz-Jeghers syndrome. Last evaluated: 2025-03-26. Review status: criteria provided, single submitter. Criteria: Invitae Variant Classification Sherloc (09022015). Collection method: clinical testing. Allele origin: germline.
Comment: This sequence change replaces arginine, which is basic and polar, with leucine, which is neutral and non-polar, at codon 106 of the STK11 protein (p.Arg106Leu). This variant is not present in population databases (gnomAD no frequency). This variant has not been reported in the literature in individuals affected with STK11-related conditions. ClinVar contains an entry for this variant (Variation ID: 216430). Invitae Evidence Modeling of protein sequence and biophysical properties (such as structural, functional, and spatial information, amino acid conservation, physicochemical variation, residue mobility, and thermodynamic stability) has been performed for this missense variant. However, the output from this modeling did not meet the statistical confidence thresholds required to predict the impact of this variant on STK11 protein function. In summary, the available evidence is currently insufficient to determine the role of this variant in disease. Therefore, it has been classified as a Variant of Uncertain Significance.

Color Diagnostics, LLC DBA Color Health
Classification: Uncertain significance for Hereditary cancer-predisposing syndrome. Last evaluated: 2023-09-18. Review status: criteria provided, single submitter. Criteria: ACMG Guidelines, 2015. Collection method: clinical testing. Allele origin: germline.
Comment: This missense variant replaces arginine with leucine at codon 106 of the STK11 protein. Computational prediction suggests that this variant may not impact protein structure and function (internally defined REVEL score threshold <= 0.5, PMID: 27666373). To our knowledge, functional studies have not been reported for this variant. This variant has not been reported in individuals affected with hereditary cancer in the literature. This variant has not been identified in the general population by the Genome Aggregation Database (gnomAD). The available evidence is insufficient to determine the role of this variant in disease conclusively. Therefore, this variant is classified as a Variant of Uncertain Significance.

Genome-Nilou Lab
Classification: Uncertain significance for Peutz-Jeghers syndrome. Last evaluated: 2021-07-15. Review status: criteria provided, single submitter. Criteria: ACMG Guidelines, 2015. Collection method: clinical testing. Allele origin: germline. Affected: no.

NM_000455.5(STK11):c.317G>T (p.Arg106Leu)

Gene: STK11 (serine/threonine kinase 11; plus strand). Cytogenetic location: 19p13.3.
Variant type: single nucleotide variant.
Coding change: c.317G>T on transcript NM_000455.5 (MANE Select); coding-DNA position 317, G replaced by T.
Protein change: p.Arg106Leu; replaces arginine 106 with leucine.
Molecular consequence: missense variant.
Genome position (GRCh38, 1-based): chr19:1,218,443, G>T. VCF-style: chr19-1218443-G-T. GRCh37 (hg19) VCF-style: chr19-1218442-G-T.
Other names: short protein forms R106L.
Identifiers: ClinVar variation 216430 (VCV000216430.24), dbSNP rs375622587, ClinGen allele CA336618.